The following is an entry in ClinVar:

ClinVar aggregate classification (germline): Uncertain significance. Review status: criteria provided, multiple submitters, no conflicts (2 of 4 stars). 2 submissions from 2 submitters: Uncertain significance (2). Last evaluated 2025-09-01.

Conditions:
Inborn genetic diseases. Identifiers: MedGen C0950123, MeSH D030342.

gnomAD v4.1: 2 of 1,610,150 alleles (0.00012%); highest among the groups gnomAD compares: East Asian, 0.0022%; no homozygotes.

Submissions (2):

Ambry Genetics
Classification: Uncertain significance for Inborn genetic diseases. Last evaluated: 2025-09-01. Review status: criteria provided, single submitter. Criteria: Ambry Variant Classification Scheme 2023. Collection method: clinical testing. Allele origin: germline.
Comment: The p.V847I variant (also known as c.2539G>A), located in coding exon 22 of the ANKRD26 gene, results from a G to A substitution at nucleotide position 2539. The valine at codon 847 is replaced by isoleucine, an amino acid with highly similar properties. This amino acid position is conserved. In addition, this alteration is predicted to be tolerated by in silico analysis. Based on the available evidence, the clinical significance of this variant remains unclear.

GeneDx
Classification: Uncertain significance. Last evaluated: 2024-01-10. Review status: criteria provided, single submitter. Criteria: GeneDx Variant Classification Process June 2021. Collection method: clinical testing. Allele origin: germline. Affected: yes.
Comment: Not observed at significant frequency in large population cohorts (gnomAD); In silico analysis supports that this missense variant does not alter protein structure/function; Has not been previously published as pathogenic or benign to our knowledge

NM_014915.3(ANKRD26):c.2539G>A (p.Val847Ile)

Gene: ANKRD26 (ankyrin repeat domain containing 26; minus strand). Cytogenetic location: 10p12.1.
Variant type: single nucleotide variant.
Coding change: c.2539G>A on transcript NM_014915.3 (MANE Select); coding-DNA position 2539, G replaced by A.
Protein change: p.Val847Ile; replaces valine 847 with isoleucine.
Molecular consequence: missense variant.
Genome position (GRCh38, 1-based): chr10:27,037,891, C>T on the plus strand (G>A on the coding strand, the complement: ANKRD26 is on the minus strand). VCF-style: chr10-27037891-C-T. GRCh37 (hg19) VCF-style: chr10-27326820-C-T.
Other names: c.2536G>A, p.Val846Ile (NM_001256053.2); short protein forms V846I, V847I.
Identifiers: ClinVar variation 3367671 (VCV003367671.2).